The following is an entry in ClinVar:

ClinVar aggregate classification (germline): Benign. Review status: criteria provided, multiple submitters, no conflicts (2 of 4 stars). 6 submissions from 6 submitters: Benign (5). 1 of the submissions does not count toward it. Last evaluated 2026-09-01.

Conditions:
COX20-related disorder. Also called: COX20-related condition.

Allele frequency attached by ClinVar (database versions not stated): 1000 Genomes Project 0.00399; 1000 Genomes Project 30x 0.00406; TOPMed 0.01105; gnomAD 0.01183 and 0.01185; gnomAD exomes 0.01239 and 0.01820; ExAC 0.01292; ESP Exome Variant Server 0.01585.

Submissions (6):

CeGaT Center for Human Genetics Tuebingen
Classification: Benign. Last evaluated: 2026-09-01. Review status: criteria provided, single submitter. Criteria: CeGaT Center For Human Genetics Tuebingen Variant Classification Criteria Version 2. Collection method: clinical testing. Allele origin: germline. Affected: yes. Observed: 37 variant alleles.
Comment: COX20: BP4, BS1, BS2

Labcorp Genetics (formerly Invitae), Labcorp
Classification: Benign. Last evaluated: 2026-02-02. Review status: criteria provided, single submitter. Criteria: Invitae Variant Classification Sherloc (09022015). Collection method: clinical testing. Allele origin: germline.

Mayo Clinic Laboratories, Mayo Clinic
Classification: Benign. Last evaluated: 2023-01-09. Review status: criteria provided, single submitter. Criteria: ACMG Guidelines, 2015. Collection method: clinical testing. Allele origin: germline. Observed: 62 variant alleles.
Comment: BS1, BS2, BP4

GeneDx
Classification: Benign. Last evaluated: 2014-02-13. Review status: criteria provided, single submitter. Criteria: GeneDx Variant Classification (06012015). Collection method: clinical testing. Allele origin: germline. Affected: yes.
Comment: This variant is considered likely benign or benign based on one or more of the following criteria: it is a conservative change, it occurs at a poorly conserved position in the protein, it is predicted to be benign by multiple in silico algorithms, and/or has population frequency not consistent with disease.

Breakthrough Genomics
Classification: Benign. Review status: criteria provided, single submitter. Criteria: ACMG Guidelines, 2015. Collection method: not provided. Allele origin: germline. Inheritance: Autosomal recessive inheritance. Affected: yes.

PreventionGenetics, part of Exact Sciences
Classification: Benign for COX20-related condition. Last evaluated: 2019-07-08. Review status: no assertion criteria provided. Collection method: clinical testing. Allele origin: germline. Not counted in ClinVar's aggregate classification.
Comment: This variant is classified as benign based on ACMG/AMP sequence variant interpretation guidelines (Richards et al. 2015 PMID: 25741868, with internal and published modifications).

NM_198076.6(COX20):c.353A>G (p.Asn118Ser)

Gene: COX20 (cytochrome c oxidase assembly factor COX20; plus strand). Cytogenetic location: 1q44.
Variant type: single nucleotide variant.
Coding change: c.353A>G on transcript NM_198076.6 (MANE Select); coding-DNA position 353, A replaced by G.
Protein change: p.Asn118Ser; replaces asparagine 118 with serine.
Molecular consequence: missense variant. On other transcripts: 3 prime UTR variant (1), non-coding transcript variant (3).
Genome position (GRCh38, 1-based): chr1:244,843,172, A>G. VCF-style: chr1-244843172-A-G. GRCh37 (hg19) VCF-style: chr1-245006474-A-G.
Other names: p.N118S:AAT>AGT; p.Asn118Ser; c.353A>G (NM_198076.5); c.353A>G, p.Asn118Ser (NM_001312871.1); c.389A>G, p.Asn130Ser (NM_001312872.1); c.218A>G, p.Asn73Ser (NM_001312873.1); c.*163A>G (NM_001312874.1); short protein forms N118S, N130S, N73S.
Identifiers: ClinVar variation 137019 (VCV000137019.42), dbSNP rs61749963, ClinGen allele CA290496.